The following is an entry in ClinVar:

ClinVar aggregate classification (germline): Uncertain significance (1 of 4 stars; one submission).

Conditions:
Epidermolysis bullosa simplex with nail dystrophy (EBS5D). Identifiers: MedGen C4225309, MONDO:0014661, OMIM 616487.
Epidermolysis bullosa simplex, Ogna type (EBS5A). Also called: Pidermolysis bullosa simplex 5A, Ogna type; EPIDERMOLYSIS BULLOSA SIMPLEX 5A, OGNA TYPE. Identifiers: Orphanet 79401, MedGen C0432317, MONDO:0007555, OMIM 131950.
Autosomal recessive limb-girdle muscular dystrophy type 2Q (LGMDR17). Also called: MUSCULAR DYSTROPHY, LIMB-GIRDLE, AUTOSOMAL RECESSIVE 17. Identifiers: Orphanet 254361, MedGen C3150989, MONDO:0013390, OMIM 613723.
Epidermolysis bullosa simplex 5B, with muscular dystrophy (EBS5B). Also called: EPIDERMOLYSIS BULLOSA SIMPLEX AND LIMB-GIRDLE MUSCULAR DYSTROPHY; Epidermolysis bullosa simplex with muscular dystrophy. Identifiers: Orphanet 257, MedGen C2931072, MONDO:0009181, OMIM 226670.
Epidermolysis bullosa simplex 5C, with pyloric atresia (EBS5C). Also called: PLEC-Related Epidermolysis Bullosa with Pyloric Atresia; Epidermolysis bullosa simplex with pyloric atresia; PLEC1-Related Epidermolysis Bullosa with Pyloric Atresia. Identifiers: Orphanet 158684, MedGen C2677349, MONDO:0012807, OMIM 612138.

gnomAD v4.1: 1 of 1,613,818 alleles (0.000062%); highest among the groups gnomAD compares: Non-Finnish European, 0.000085%; no homozygotes.

Submission:

Labcorp Genetics (formerly Invitae), Labcorp
Classification: Uncertain significance for Autosomal recessive limb-girdle muscular dystrophy type 2Q; Epidermolysis bullosa simplex, Ogna type; Epidermolysis bullosa simplex with nail dystrophy; Epidermolysis bullosa simplex 5C, with pyloric atresia; Epidermolysis bullosa simplex 5B, with muscular dystrophy. Last evaluated: 2024-08-02. Review status: criteria provided, single submitter. Criteria: Invitae Variant Classification Sherloc (09022015). Collection method: clinical testing. Allele origin: germline.
Comment: This sequence change replaces threonine, which is neutral and polar, with isoleucine, which is neutral and non-polar, at codon 74 of the PLEC protein (p.Thr74Ile). This variant is not present in population databases (gnomAD no frequency). This variant has not been reported in the literature in individuals affected with PLEC-related conditions. Experimental studies and prediction algorithms are not available or were not evaluated, and the functional significance of this variant is currently unknown. In summary, the available evidence is currently insufficient to determine the role of this variant in disease. Therefore, it has been classified as a Variant of Uncertain Significance.

NM_201384.3(PLEC):c.140C>T (p.Thr47Ile)

Gene: PLEC (plectin; minus strand). Cytogenetic location: 8q24.3.
Variant type: single nucleotide variant.
Coding change: c.140C>T on transcript NM_201384.3 (MANE Select); coding-DNA position 140, C replaced by T.
Protein change: p.Thr47Ile; replaces threonine 47 with isoleucine.
Molecular consequence: missense variant.
Genome position (GRCh38, 1-based): chr8:143,938,665, G>A on the plus strand (C>T on the coding strand, the complement: PLEC is on the minus strand). VCF-style: chr8-143938665-G-A. GRCh37 (hg19) VCF-style: chr8-145012833-G-A.
Other names: c.98C>T, p.Thr33Ile (NM_201378.4); c.74C>T, p.Thr25Ile (NM_201379.3); c.551C>T, p.Thr184Ile (NM_201380.4); c.44C>T, p.Thr15Ile (NM_201381.3); c.140C>T, p.Thr47Ile (NM_201382.4); c.152C>T, p.Thr51Ile (NM_201383.3); c.221C>T, p.Thr74Ile (NM_000445.5, NM_001410941.1); short protein forms T15I, T184I, T25I, T33I, T47I, T51I, T74I.
Identifiers: ClinVar variation 3754336 (VCV003754336.2).